The following is an entry in ClinVar:

NM_000350.3(ABCA4):c.1501G>T (p.Asp501Tyr)

Gene: ABCA4 (ATP binding cassette subfamily A member 4; minus strand). Cytogenetic location: 1p22.1.
Variant type: single nucleotide variant.
Coding change: c.1501G>T on transcript NM_000350.3 (MANE Select); coding-DNA position 1501, G replaced by T.
Protein change: p.Asp501Tyr; replaces aspartic acid 501 with tyrosine.
Molecular consequence: missense variant.
Genome position (GRCh38, 1-based): chr1:94,077,743, C>A on the plus strand (G>T on the coding strand, the complement: ABCA4 is on the minus strand). VCF-style: chr1-94077743-C-A. GRCh37 (hg19) VCF-style: chr1-94543299-C-A.
Other names: c.1501G>T, p.Asp501Tyr (NM_001425324.1); short protein forms D501Y.
Identifiers: ClinVar variation 2803361 (VCV002803361.3), dbSNP rs774145384, ClinGen allele CA341281897.
Genomic context (GRCh38, chr1:94,077,743, plus strand): 5'-CCCTTACCTCCAGGTATTGATTGACCAGGCGGAGGGTGCGATCAGTGATGTTAAATATGT[C>A]CCTCCAGTCGAAGTTGGCCATGTCGTCAGCCTGGCTTTCCCGAGGGCCCTTGTAGAGGAA-3'
Protein context (NP_000341.2, residues 491-511): ADDMANFDWR[Asp501Tyr]IFNITDRTLR

ClinVar aggregate classification (germline): Uncertain significance (1 of 4 stars; one submission).

Submission:

Labcorp Genetics (formerly Invitae), Labcorp
Classification: Uncertain significance. Last evaluated: 2024-11-13. Review status: criteria provided, single submitter. Criteria: Invitae Variant Classification Sherloc (09022015). Collection method: clinical testing. Allele origin: germline.
Comment: This sequence change replaces aspartic acid, which is acidic and polar, with tyrosine, which is neutral and polar, at codon 501 of the ABCA4 protein (p.Asp501Tyr). This variant is not present in population databases (gnomAD no frequency). This variant has not been reported in the literature in individuals affected with ABCA4-related conditions. ClinVar contains an entry for this variant (Variation ID: 2803361). Invitae Evidence Modeling of protein sequence and biophysical properties (such as structural, functional, and spatial information, amino acid conservation, physicochemical variation, residue mobility, and thermodynamic stability) has been performed for this missense variant. However, the output from this modeling did not meet the statistical confidence thresholds required to predict the impact of this variant on ABCA4 protein function. Algorithms developed to predict the effect of sequence changes on RNA splicing suggest that this variant may create or strengthen a splice site. In summary, the available evidence is currently insufficient to determine the role of this variant in disease. Therefore, it has been classified as a Variant of Uncertain Significance.